The following is an entry in ClinVar:

ClinVar aggregate classification (germline): Conflicting classifications of pathogenicity. Review status: criteria provided, conflicting classifications (1 of 4 stars). 3 submissions from 3 submitters: Uncertain significance (2); Likely benign (1). Last evaluated 2022-10-15.

Conditions:
Intellectual developmental disorder, X-linked 1. Also called: Atkin Flaitz Patil Smith syndrome; MENTAL RETARDATION, X-LINKED 18; MENTAL RETARDATION, X-LINKED 78; Intellectual disability, X-linked 1. Identifiers: Orphanet 777, MedGen C2931498, MONDO:0010656, OMIM 309530.

Allele frequency attached by ClinVar (database versions not stated): gnomAD exomes 0.00001 and below 0.00001.
gnomAD v4.1: 1 of 1,208,580 alleles (0.000083%); highest among the groups gnomAD compares: Admixed American, 0.0022%; no homozygotes.

Submissions (3):

Labcorp Genetics (formerly Invitae), Labcorp
Classification: Likely benign for Intellectual developmental disorder, X-linked 1. Last evaluated: 2022-10-15. Review status: criteria provided, single submitter. Criteria: Invitae Variant Classification Sherloc (09022015). Collection method: clinical testing. Allele origin: germline.

Institute for Medical Genetics and Human Genetics, Charité - Universitätsmedizin Berlin
Classification: Uncertain significance for Intellectual developmental disorder, X-linked 1. Last evaluated: 2022-09-22. Review status: criteria provided, single submitter. Criteria: ACMG Guidelines, 2015. Collection method: clinical testing. Allele origin: germline. Inheritance: X-linked inheritance. Affected: yes. Observed: 1 hemizygote.

GeneDx
Classification: Uncertain significance. Last evaluated: 2019-10-03. Review status: criteria provided, single submitter. Criteria: GeneDx Variant Classification Process June 2021. Collection method: clinical testing. Allele origin: germline. Affected: yes.
Comment: In silico analysis, which includes protein predictors and evolutionary conservation, supports that this variant does not alter protein structure/function; Has not been previously published as pathogenic or benign to our knowledge

NM_001111125.3(IQSEC2):c.3397G>A (p.Asp1133Asn)

Gene: IQSEC2 (IQ motif and Sec7 domain ArfGEF 2; minus strand). Cytogenetic location: Xp11.22.
Variant type: single nucleotide variant.
Coding change: c.3397G>A on transcript NM_001111125.3 (MANE Select); coding-DNA position 3397, G replaced by A.
Protein change: p.Asp1133Asn; replaces aspartic acid 1133 with asparagine.
Molecular consequence: missense variant.
Genome position (GRCh38, 1-based): chrX:53,236,376, C>T on the plus strand (G>A on the coding strand, the complement: IQSEC2 is on the minus strand). VCF-style: chrX-53236376-C-T. GRCh37 (hg19) VCF-style: chrX-53265558-C-T.
Other names: c.2782G>A, p.Asp928Asn (NM_015075.2); short protein forms D1133N, D928N.
Identifiers: ClinVar variation 1308964 (VCV001308964.8), dbSNP rs1556859667, ClinGen allele CA413144405.